The following is an entry in ClinVar:

ClinVar aggregate classification (germline): Conflicting classifications of pathogenicity. Review status: criteria provided, conflicting classifications (1 of 4 stars). 3 submissions from 3 submitters: Uncertain significance (2); Benign (1). Last evaluated 2026-01-14.

Conditions:
Dubin-Johnson syndrome (DJS). Also called: Hyperbilirubinemia type 2; HYPERBILIRUBINEMIA, DUBIN-JOHNSON TYPE; Jaundice, Chronic Idiopathic. Identifiers: Orphanet 234, MedGen C0022350, MONDO:0009380, OMIM 237500.

Allele frequency attached by ClinVar (database versions not stated): gnomAD exomes 0.00034 and 0.00092; ExAC 0.00120; gnomAD 0.00354 and 0.00388; TOPMed 0.00385; 1000 Genomes Project 30x 0.00453; 1000 Genomes Project 0.00499; ESP Exome Variant Server 0.00523.
gnomAD v4.1: 1,064 of 1,614,018 alleles (0.066%); highest among the groups gnomAD compares: African/African-American, 1.3%; 8 homozygotes.

Submissions (3):

Labcorp Genetics (formerly Invitae), Labcorp
Classification: Benign. Last evaluated: 2026-01-14. Review status: criteria provided, single submitter. Criteria: Invitae Variant Classification Sherloc (09022015). Collection method: clinical testing. Allele origin: germline.

Mayo Clinic Laboratories, Mayo Clinic
Classification: Uncertain significance. Last evaluated: 2022-09-28. Review status: criteria provided, single submitter. Criteria: ACMG Guidelines, 2015. Collection method: clinical testing. Allele origin: germline. Observed: 3 variant alleles.

Illumina Laboratory Services, Illumina
Classification: Uncertain significance for Dubin-Johnson syndrome. Last evaluated: 2017-04-28. Review status: criteria provided, single submitter. Criteria: ICSL Variant Classification Criteria 13 December 2019. Collection method: clinical testing. Allele origin: germline.
Comment: This variant was observed as part of a predisposition screen in an ostensibly healthy population. A literature search was performed for the gene, cDNA change, and amino acid change (where applicable). Publications were found based on this search. However, the evidence from the literature, in combination with allele frequency data from public databases where available, was not sufficient to rule this variant in or out of causing disease. Therefore, this variant is classified as a variant of unknown significance.

Literature cited by the submitters: PubMed 25111166 (cited by Mayo Clinic Laboratories, Mayo Clinic and Illumina Laboratory Services, Illumina); PubMed 20799350 (cited by Illumina Laboratory Services, Illumina); PubMed 22290738 (cited by Illumina Laboratory Services, Illumina).

NM_000392.5(ABCC2):c.2009T>C (p.Ile670Thr)

Gene: ABCC2 (ATP binding cassette subfamily C member 2; plus strand). Cytogenetic location: 10q24.2.
Variant type: single nucleotide variant.
Coding change: c.2009T>C on transcript NM_000392.5 (MANE Select); coding-DNA position 2009, T replaced by C.
Protein change: p.Ile670Thr; replaces isoleucine 670 with threonine.
Molecular consequence: missense variant.
Genome position (GRCh38, 1-based): chr10:99,813,059, T>C. VCF-style: chr10-99813059-T-C. GRCh37 (hg19) VCF-style: chr10-101572816-T-C.
Other names: p.Ile670Thr; short protein forms I670T.
Identifiers: ClinVar variation 707868 (VCV000707868.13), dbSNP rs17222632, ClinGen allele CA5643371.